The following is an entry in ClinVar:

NM_005535.3(IL12RB1):c.1736C>T (p.Pro579Leu)

Gene: IL12RB1 (interleukin 12 receptor subunit beta 1; minus strand). Cytogenetic location: 19p13.11.
Variant type: single nucleotide variant.
Coding change: c.1736C>T on transcript NM_005535.3 (MANE Select); coding-DNA position 1736, C replaced by T.
Protein change: p.Pro579Leu; replaces proline 579 with leucine.
Molecular consequence: missense variant.
Genome position (GRCh38, 1-based): chr19:18,061,177, G>A on the plus strand (C>T on the coding strand, the complement: IL12RB1 is on the minus strand). VCF-style: chr19-18061177-G-A. GRCh37 (hg19) VCF-style: chr19-18171987-G-A.
Other names: c.1736C>T, p.Pro579Leu (NM_001290023.2); c.1856C>T, p.Pro619Leu (NM_001290024.2); short protein forms P579L, P619L.
Identifiers: ClinVar variation 1060309 (VCV001060309.7), dbSNP rs751652957, ClinGen allele CA9304705.
Genomic context (GRCh38, chr19:18,061,177, plus strand): 5'-CTTACCTCCTTCCCTCCAGGGAACTCAATGGCGGAGCTGGCACAGGGTGTGGGCAGCGGC[G>A]GGCACAGGTGCCGTGCGGCCCTGGGGAGGAAAGGGGACCAGTGAGAGGAGCTGAGGTTTT-3'
Protein context (NP_005526.1, residues 569-589): GLNRAARHLC[Pro579Leu]PLPTPCASSA

ClinVar aggregate classification (germline): Uncertain significance. Review status: criteria provided, multiple submitters, no conflicts (2 of 4 stars). 2 submissions from 2 submitters: Uncertain significance (2). Last evaluated 2023-11-14.

Conditions:
Mendelian susceptibility to mycobacterial diseases due to complete IL12RB1 deficiency. Also called: IL12RB1 DEFICIENCY; Immunodeficiency 30. Identifiers: Orphanet 319552, MedGen C4013949, MONDO:0013955, OMIM 614891.

Allele frequency attached by ClinVar (database versions not stated): gnomAD 0.00003 and 0.00004; gnomAD exomes 0.00003; TOPMed 0.00003; ExAC 0.00005.
gnomAD v4.1: 46 of 1,594,590 alleles (0.0029%); highest among the groups gnomAD compares: Non-Finnish European, 0.0037%; no homozygotes.

Submissions (2):

Blueprint Genetics
Classification: Uncertain significance. Last evaluated: 2023-11-14. Review status: criteria provided, single submitter. Criteria: ACMG Guidelines, 2015. Collection method: clinical testing. Allele origin: germline.

Labcorp Genetics (formerly Invitae), Labcorp
Classification: Uncertain significance for Mendelian susceptibility to mycobacterial diseases due to complete IL12RB1 deficiency. Last evaluated: 2022-08-08. Review status: criteria provided, single submitter. Criteria: Invitae Variant Classification Sherloc (09022015). Collection method: clinical testing. Allele origin: germline.
Comment: This sequence change replaces proline, which is neutral and non-polar, with leucine, which is neutral and non-polar, at codon 579 of the IL12RB1 protein (p.Pro579Leu). This variant is present in population databases (rs751652957, gnomAD 0.007%). This variant has not been reported in the literature in individuals affected with IL12RB1-related conditions. ClinVar contains an entry for this variant (Variation ID: 1060309). Algorithms developed to predict the effect of missense changes on protein structure and function (SIFT, PolyPhen-2, Align-GVGD) all suggest that this variant is likely to be disruptive. In summary, the available evidence is currently insufficient to determine the role of this variant in disease. Therefore, it has been classified as a Variant of Uncertain Significance.